The following is an entry in ClinVar:

NM_144687.4(NLRP12):c.608_609delinsTT (p.Asp203Val)

Gene: NLRP12 (NLR family pyrin domain containing 12; minus strand). Cytogenetic location: 19q13.42.
Variant type: Indel.
Coding change: c.608_609delinsTT on transcript NM_144687.4 (MANE Select); coding-DNA positions 608 to 609, AC replaced by TT.
Protein change: p.Asp203Val; replaces aspartic acid 203 with valine.
Molecular consequence: missense variant.
Genome position (GRCh38, 1-based): chr19:53,811,050-53,811,051, GT replaced by AA on the plus strand (AC replaced by TT on the coding strand, the reverse complement: NLRP12 is on the minus strand). VCF-style: chr19-53811050-GT-AA. GRCh37 (hg19) VCF-style: chr19-54314304-GT-AA.
Other names: c.608_609delinsTT, p.Asp203Val (NM_001277126.2, NM_001277129.1); short protein forms D203V.
Identifiers: ClinVar variation 1489577 (VCV001489577.8), dbSNP rs2122680898, ClinGen allele CA2573156819.

ClinVar aggregate classification (germline): Uncertain significance (1 of 4 stars; one submission).

Conditions:
Familial cold autoinflammatory syndrome 2 (FCAS2). Identifiers: Orphanet 247868, MedGen C2673198, MONDO:0012724, OMIM 611762.

Submission:

Labcorp Genetics (formerly Invitae), Labcorp
Classification: Uncertain significance for Familial cold autoinflammatory syndrome 2. Last evaluated: 2024-04-16. Review status: criteria provided, single submitter. Criteria: Invitae Variant Classification Sherloc (09022015). Collection method: clinical testing. Allele origin: germline.
Comment: This sequence change replaces aspartic acid, which is acidic and polar, with valine, which is neutral and non-polar, at codon 203 of the NLRP12 protein (p.Asp203Val). The frequency data for this variant in the population databases is considered unreliable, as metrics indicate poor data quality at this position in the gnomAD database. This variant has not been reported in the literature in individuals affected with NLRP12-related conditions. ClinVar contains an entry for this variant (Variation ID: 1489577). An algorithm developed to predict the effect of missense changes on protein structure and function (PolyPhen-2) suggests that this variant is likely to be disruptive. In summary, the available evidence is currently insufficient to determine the role of this variant in disease. Therefore, it has been classified as a Variant of Uncertain Significance.